The following is an entry in ClinVar:

NM_032043.3(BRIP1):c.3240dup (p.Ala1081fs)

Gene: BRIP1 (BRCA1 interacting DNA helicase 1; minus strand). Cytogenetic location: 17q23.2.
Variant type: Duplication.
Coding change: c.3240dup on transcript NM_032043.3 (MANE Select); coding-DNA position 3240, one base duplicated (T; older notation c.3240dupT).
Protein change: p.Ala1081fs; shifts the reading frame from alanine 1081.
Molecular consequence: frameshift variant.
Genome position (GRCh38, 1-based): chr17:61,683,806, A duplicated on the plus strand (T on the coding strand, the reverse complement: BRIP1 is on the minus strand). VCF-style (leftmost placement, unchanged base first): chr17-61683805-C-CA. GRCh37 (hg19) VCF-style: chr17-59761166-C-CA.
Other names: c.3240dupT (NM_032043.2, NM_032043.3); short protein forms A1081fs.
Identifiers: ClinVar variation 324348 (VCV000324348.55), dbSNP rs779741278, ClinGen allele CA8690381.

ClinVar aggregate classification (germline): Conflicting classifications of pathogenicity. Review status: criteria provided, conflicting classifications (1 of 4 stars). 12 submissions from 12 submitters: Likely pathogenic (5); Uncertain significance (4). 3 of the submissions do not count toward it. Last evaluated 2025-12-17.

Conditions:
Ovarian cancer. Also called: OVARIAN CANCER, SOMATIC. Identifiers: Orphanet 213500, MedGen C1140680, MONDO:0008170, OMIM 167000.
Fanconi anemia complementation group J. Also called: BRIP1-Related Fanconi Anemia. Identifiers: Orphanet 84, MedGen C1836860, MONDO:0012187, OMIM 609054.
Gastric cancer. Also called: Stomach cancer; Malignant tumor of stomach. Identifiers: MedGen C0024623, MeSH D013274, MONDO:0001056, OMIM 613659, HP:0012126.
Familial cancer of breast. Also called: hereditary breast carcinoma; BREAST CANCER, FAMILIAL; Hereditary breast cancer. Identifiers: Orphanet 227535, MedGen C0346153, MONDO:0016419, OMIM 114480. Disease mechanism: loss of function.
Hereditary cancer-predisposing syndrome. Also called: Tumor predisposition; Neoplastic Syndromes, Hereditary; Hereditary Cancer Syndrome; Hereditary neoplastic syndrome. Identifiers: Orphanet 140162, MedGen C0027672, MeSH D009386, MONDO:0015356.
Hereditary breast ovarian cancer syndrome. Also called: BRCA1- and BRCA2-Associated Hereditary Breast and Ovarian Cancer; Hereditary breast and ovarian cancer; Hereditary breast and ovarian cancer syndrome (HBOC); Hereditary breast and/or ovarian cancer syndrome; Breast and ovarian cancer; Hereditary breast and ovarian cancer syndrome. Identifiers: Orphanet 145, MedGen C0677776, MeSH D061325, MONDO:0003582. Disease mechanism: loss of function.
Malignant tumor of breast. Also called: Malignant breast neoplasm; Cancer breast. Identifiers: MedGen C0006142, MONDO:0007254. Disease mechanism: loss of function.

Allele frequency attached by ClinVar (database versions not stated): gnomAD exomes below 0.00001; ExAC 0.00001; gnomAD 0.00001.

Submissions (12):

Labcorp Genetics (formerly Invitae), Labcorp
Classification: Uncertain significance for Familial cancer of breast; Fanconi anemia complementation group J. Last evaluated: 2025-12-17. Review status: criteria provided, single submitter. Criteria: Invitae Variant Classification Sherloc (09022015). Collection method: clinical testing. Allele origin: germline.
Comment: This sequence change creates a premature translational stop signal (p.Ala1081Cysfs*5) in the BRIP1 gene. While this is not anticipated to result in nonsense mediated decay, it is expected to disrupt the last 169 amino acid(s) of the BRIP1 protein. This variant is present in population databases (rs779741278, gnomAD 0.01%). This premature translational stop signal has been observed in individual(s) with sarcoma and prostate cancer (PMID: 27498913, 31214711). ClinVar contains an entry for this variant (Variation ID: 324348). In summary, the available evidence is currently insufficient to determine the role of this variant in disease. Therefore, it has been classified as a Variant of Uncertain Significance.

Women's Health and Genetics/Laboratory Corporation of America, LabCorp
Classification: Likely pathogenic for Malignant tumor of breast. Last evaluated: 2025-09-10. Review status: criteria provided, single submitter. Criteria: LabCorp Variant Classification Summary - May 2015. Collection method: clinical testing. Allele origin: germline.
Comment: Variant summary: BRIP1 c.3240dupT (p.Ala1081CysfsX5) results in a premature termination codon, predicted to cause a truncation of the encoded protein, although nonsense mediated decay is not predicted, variants downstream have been observed on the pathogenic spectrum in our laboratory. The variant allele was found at a frequency of 6.1e-05 in 313543 control chromosomes. This frequency is not significantly higher than estimated for disease-causing variants in BRIP1, allowing no conclusion about variant significance. c.3240dupT has been reported in the literature in individuals affected with Breast Cancer, Prostate Cancer and Gastric cancer (Kaneyasu_2020, Suzuki_2020, Akamatsu_2022, Yoshida_2024). These data indicate that the variant may be associated with disease. To our knowledge, no experimental evidence demonstrating an impact on protein function has been reported. The following publications have been ascertained in the context of this evaluation (PMID: 29922827, 31214711, 32566746, 36243179, 32426482, 35118230, 35986085, 39003386). ClinVar contains an entry for this variant (Variation ID: 324348). Based on the evidence outlined above, the variant was classified as likely pathogenic.

GeneDx
Classification: Uncertain significance. Last evaluated: 2025-09-08. Review status: criteria provided, single submitter. Criteria: GeneDx Variant Classification Process June 2021. Collection method: clinical testing. Allele origin: germline. Affected: yes.
Comment: Not observed at significant frequency in large population cohorts (gnomAD); Frameshift variant predicted to result in abnormal protein length as the last 169 amino acid(s) are replaced with 4 different amino acid(s); Reported in individuals with a variety of different cancers, including hereditary breast and ovarian cancer, prostate cancer and gastric cancer (PMID: 36627197, 35986085, 35118230, 32426482, 32566746); This variant is associated with the following publications: (PMID: 36243179, 21127055, 27498913, 20159562, 22792074, 32566746, 29922827, 31214711, 36627197, 32426482, 35986085, 35118230)

Ambry Genetics
Classification: Uncertain significance for Hereditary cancer-predisposing syndrome. Last evaluated: 2025-02-20. Review status: criteria provided, single submitter. Criteria: Ambry Variant Classification Scheme 2023. Collection method: clinical testing. Allele origin: germline.
Comment: The c.3240dupT variant, located in coding exon 19 of the BRIP1 gene, results from a duplication of T at nucleotide position 3240, causing a translational frameshift with a predicted alternate stop codon (p.A1081Cfs*5). This stop codon occurs near the 3' terminus of BRIP1, is not expected to trigger nonsense-mediated mRNA decay, and removes the last 165 amino acids of the protein. The exact functional impact of these removed amino acids is unknown. This alteration has also been detected in a cohort of 549 Japanese men with prostate cancer (Kimura H et al. Br J Cancer, 2022 Nov;127:1680-1690). While the C-terminal region of the BRIP1 protein has been shown by structural, biochemical, and mutational analysis to be relevant for some aspects of BRIP1 protein function (Gong Z et al. Mol. Cell, 2010 Feb;37:438-46; Leung CC et al. J. Biol. Chem. 2011 Feb; 286(6):4292-301; Xie J et al. PLoS Genet. 2012 Jul; 8(7):e1002786), functional studies have shown that truncations in the 3' terminus of BRIP1 display normal function in response to intra-strand cross-linking agents (Calvo JA et al. Mol Cancer Res, 2021 Jun;19:1015-1025). In addition, 3' truncations in BRIP1 occurring upstream of this variant have been detected in the homozygous or compound heterozygous state in individuals with no reported features of BRIP1-related Fanconi Anemia (FA-J) (Ambry internal data). Based on the available evidence, the clinical significance of this variant remains unclear.

Baylor Genetics
Classification: Likely pathogenic for Familial cancer of breast. Last evaluated: 2023-05-30. Review status: criteria provided, single submitter. Criteria: ACMG Guidelines, 2015. Collection method: clinical testing. Allele origin: unknown.

Color Diagnostics, LLC DBA Color Health
Classification: Likely pathogenic for Hereditary cancer-predisposing syndrome. Last evaluated: 2023-04-06. Review status: criteria provided, single submitter. Criteria: ACMG Guidelines, 2015. Collection method: clinical testing. Allele origin: germline.
Comment: This variant inserts 1 nucleotide in exon 20 of the BRIP1 gene, creating a frameshift and premature translation stop signal. This variant is expected to result in an absent or non-functional protein product. The truncated protein is expected to disrupt the TopBP1 binding domain (a.a. 1106-1178) and an acetylation site (p.Lys1249) in the C-terminus, which have been reported to play an important role in DNA replication-stress response and maintaining genomic stability (PMID: 20159562, 21127055, 22792074). This variant has been reported in individuals affected with sarcoma, prostate cancer, and bilateral breast cancer (PMID: 27498913, 31214711, 32566746). This variant has been identified in 1/251228 chromosomes in the general population by the Genome Aggregation Database (gnomAD). Loss of BRIP1 function is a known mechanism of disease. Based on the available evidence, this variant is classified as Likely Pathogenic.

Myriad Genetics, Inc.
Classification: Uncertain significance for Familial cancer of breast. Last evaluated: 2023-02-27. Review status: criteria provided, single submitter. Criteria: Myriad Autosomal Dominant, Autosomal Recessive and X-Linked Classification Criteria (2023). Collection method: clinical testing. Allele origin: unknown.
Comment: This variant is classified as a variant of uncertain significance as there is insufficient evidence to determine its impact on protein function and/or cancer risk.

Cancer Genomics Group, Japanese Foundation For Cancer Research
Classification: Likely pathogenic for Hereditary breast and ovarian cancer syndrome. Last evaluated: 2019-05-01. Review status: criteria provided, single submitter. Criteria: ACMG Guidelines, 2015. Collection method: research. Allele origin: germline. Affected: yes.

Genesis Genomics
Classification: Likely pathogenic for Familial cancer of breast. Review status: criteria provided, single submitter. Criteria: ACMG Guidelines, 2015. Collection method: clinical testing. Allele origin: germline. Affected: yes. Observed: 1 variant allele.

Laboratory for Genotyping Development, RIKEN
Classification: Pathogenic for Gastric cancer. Last evaluated: 2021-07-01. Review status: no assertion criteria provided. Collection method: research. Allele origin: germline. Not counted in ClinVar's aggregate classification.

Leiden Open Variation Database
Classification: Uncertain significance. Last evaluated: 2019-08-13. Review status: no assertion criteria provided. Collection method: curation. Allele origin: germline. Affected: yes. Not counted in ClinVar's aggregate classification.
Comment: Curator: Arleen D. Auerbach. Submitter to LOVD: Yukihide Momozawa.

Counsyl
Classification: Likely pathogenic for Fanconi anemia complementation group J; Ovarian cancer. Last evaluated: 2017-02-02. Review status: no assertion criteria provided. Collection method: clinical testing. Allele origin: unknown. Not counted in ClinVar's aggregate classification.

Literature cited by the submitters: PubMed 27498913 (cited by 3 submitters); PubMed 31214711 (cited by 4 submitters); PubMed 29922827 (cited by Women's Health and Genetics/Laboratory Corporation of America, LabCorp); PubMed 32566746 (cited by 3 submitters); PubMed 36243179 (cited by Women's Health and Genetics/Laboratory Corporation of America, LabCorp); PubMed 32426482 (cited by Women's Health and Genetics/Laboratory Corporation of America, LabCorp); PubMed 35118230 (cited by Women's Health and Genetics/Laboratory Corporation of America, LabCorp); PubMed 35986085 (cited by Women's Health and Genetics/Laboratory Corporation of America, LabCorp and Ambry Genetics); PubMed 39003386 (cited by Women's Health and Genetics/Laboratory Corporation of America, LabCorp); PubMed 20068231 (cited by Ambry Genetics); PubMed 22792074 (cited by 3 submitters); PubMed 20159562 (cited by Color Diagnostics, LLC DBA Color Health and Counsyl); PubMed 21127055 (cited by Color Diagnostics, LLC DBA Color Health and Counsyl); PubMed 36988593 (cited by Laboratory for Genotyping Development, RIKEN).